The following is an entry in ClinVar:

NM_182746.3(MCM4):c.1051A>T (p.Met351Leu)

Gene: MCM4 (minichromosome maintenance complex component 4; plus strand). Cytogenetic location: 8q11.21.
Variant type: single nucleotide variant.
Coding change: c.1051A>T on transcript NM_182746.3 (MANE Select); coding-DNA position 1051, A replaced by T.
Protein change: p.Met351Leu; replaces methionine 351 with leucine.
Molecular consequence: missense variant.
Genome position (GRCh38, 1-based): chr8:47,966,405, A>T. VCF-style: chr8-47966405-A-T. GRCh37 (hg19) VCF-style: chr8-48878965-A-T.
Other names: c.1051A>T, p.Met351Leu (NM_005914.4); short protein forms M351L.
Identifiers: ClinVar variation 1991291 (VCV001991291.4), dbSNP rs2551884042, ClinGen allele CA371149704.

ClinVar aggregate classification (germline): Uncertain significance (1 of 4 stars; one submission).

Submission:

Labcorp Genetics (formerly Invitae), Labcorp
Classification: Uncertain significance. Last evaluated: 2022-08-19. Review status: criteria provided, single submitter. Criteria: Invitae Variant Classification Sherloc (09022015). Collection method: clinical testing. Allele origin: germline.
Comment: In summary, the available evidence is currently insufficient to determine the role of this variant in disease. Therefore, it has been classified as a Variant of Uncertain Significance. Algorithms developed to predict the effect of missense changes on protein structure and function (SIFT, PolyPhen-2, Align-GVGD) all suggest that this variant is likely to be tolerated. This variant has not been reported in the literature in individuals affected with MCM4-related conditions. This variant is not present in population databases (gnomAD no frequency). This sequence change replaces methionine, which is neutral and non-polar, with leucine, which is neutral and non-polar, at codon 351 of the MCM4 protein (p.Met351Leu).